The following is an entry in ClinVar:

ClinVar aggregate classification (germline): Uncertain significance. Review status: criteria provided, multiple submitters, no conflicts (2 of 4 stars). 2 submissions from 2 submitters: Uncertain significance (2). Last evaluated 2024-12-11.

Conditions:
Catecholaminergic polymorphic ventricular tachycardia 1. Also called: RYR2-Related Catecholaminergic Polymorphic Ventricular Tachycardia; VENTRICULAR TACHYCARDIA, CATECHOLAMINERGIC POLYMORPHIC, 1, WITH OR WITHOUT ATRIAL DYSFUNCTION AND/OR DILATED CARDIOMYOPATHY; VENTRICULAR TACHYCARDIA, STRESS-INDUCED POLYMORPHIC 1. Identifiers: Orphanet 3286, MedGen C1631597, MONDO:0011484, OMIM 604772.

Submissions (2):

GeneDx
Classification: Uncertain significance. Last evaluated: 2024-12-11. Review status: criteria provided, single submitter. Criteria: GeneDx Variant Classification Process June 2021. Collection method: clinical testing. Allele origin: germline. Affected: yes.
Comment: Not observed at significant frequency in large population cohorts (gnomAD); In silico analysis supports that this missense variant has a deleterious effect on protein structure/function; Has not been previously published as pathogenic or benign to our knowledge; This variant is associated with the following publications: (PMID: 19926015)

Labcorp Genetics (formerly Invitae), Labcorp
Classification: Uncertain significance for Catecholaminergic polymorphic ventricular tachycardia 1. Last evaluated: 2021-10-23. Review status: criteria provided, single submitter. Criteria: Invitae Variant Classification Sherloc (09022015). Collection method: clinical testing. Allele origin: germline.
Comment: In summary, the available evidence is currently insufficient to determine the role of this variant in disease. Therefore, it has been classified as a Variant of Uncertain Significance. Advanced modeling of protein sequence and biophysical properties (such as structural, functional, and spatial information, amino acid conservation, physicochemical variation, residue mobility, and thermodynamic stability) performed at Invitae indicates that this missense variant is expected to disrupt RYR2 protein function. This variant has not been reported in the literature in individuals affected with RYR2-related conditions. This variant is not present in population databases (ExAC no frequency). This sequence change replaces histidine with aspartic acid at codon 365 of the RYR2 protein (p.His365Asp). The histidine residue is highly conserved and there is a moderate physicochemical difference between histidine and aspartic acid.

NM_001035.3(RYR2):c.1093C>G (p.His365Asp)

Gene: RYR2 (ryanodine receptor 2; plus strand). Cytogenetic location: 1q43.
Variant type: single nucleotide variant.
Coding change: c.1093C>G on transcript NM_001035.3 (MANE Select); coding-DNA position 1093, C replaced by G.
Protein change: p.His365Asp; replaces histidine 365 with aspartic acid.
Molecular consequence: missense variant.
Genome position (GRCh38, 1-based): chr1:237,441,406, C>G. VCF-style: chr1-237441406-C-G. GRCh37 (hg19) VCF-style: chr1-237604706-C-G.
Other names: c.1093C>G (NM_001035.2); short protein forms H365D.
Identifiers: ClinVar variation 1361459 (VCV001361459.8), dbSNP rs2150146977, ClinGen allele CA345376300.